The following is an entry in ClinVar:

NM_033026.6(PCLO):c.14792-5T>G

Genes: PCLO (piccolo presynaptic cytomatrix protein; minus strand), LOC126860089 (MED14-independent group 3 enhancer GRCh37_chr7:82434470-82435669; plus strand). Cytogenetic location: 7q21.11.
Variant type: single nucleotide variant.
Coding change: c.14792-5T>G on transcript NM_033026.6 (MANE Select); 5 bases into the intron before coding-DNA position 14792, T replaced by G.
Molecular consequence: intron variant.
Genome position (GRCh38, 1-based): chr7:82,805,834, A>C on the plus strand (T>G on the coding strand, the complement: PCLO is on the minus strand). VCF-style: chr7-82805834-A-C. GRCh37 (hg19) VCF-style: chr7-82435150-A-C.
Identifiers: ClinVar variation 2015650 (VCV002015650.4), dbSNP rs2535213158, ClinGen allele CA2580077409.

ClinVar aggregate classification (germline): Uncertain significance (1 of 4 stars; one submission).

Submission:

Labcorp Genetics (formerly Invitae), Labcorp
Classification: Uncertain significance. Last evaluated: 2023-03-23. Review status: criteria provided, single submitter. Criteria: Invitae Variant Classification Sherloc (09022015). Collection method: clinical testing. Allele origin: germline.
Comment: This sequence change falls in intron 20 of the PCLO gene. It does not directly change the encoded amino acid sequence of the PCLO protein. This variant is not present in population databases (gnomAD no frequency). This variant has not been reported in the literature in individuals affected with PCLO-related conditions. ClinVar contains an entry for this variant (Variation ID: 2015650). Algorithms developed to predict the effect of sequence changes on RNA splicing suggest that this variant may create or strengthen a splice site. In summary, the available evidence is currently insufficient to determine the role of this variant in disease. Therefore, it has been classified as a Variant of Uncertain Significance.